The following is an entry in ClinVar:

NM_020312.4(COQ9):c.157C>T (p.Gln53Ter)

Gene: COQ9 (coenzyme Q9; plus strand). Cytogenetic location: 16q21.
Variant type: single nucleotide variant.
Coding change: c.157C>T on transcript NM_020312.4 (MANE Select); coding-DNA position 157, C replaced by T.
Protein change: p.Gln53Ter; replaces glutamine 53 with a stop codon.
Molecular consequence: nonsense.
Genome position (GRCh38, 1-based): chr16:57,451,123, C>T. VCF-style: chr16-57451123-C-T. GRCh37 (hg19) VCF-style: chr16-57485035-C-T.
Other names: short protein forms Q53*.
Identifiers: ClinVar variation 2637678 (VCV002637678.1), dbSNP rs2543566429, ClinGen allele CA396026677.
Genomic context (GRCh38, chr16:57,451,123, plus strand): 5'-GTGCCGCGTGCCTTCCATGCTTCAGCTGTGGGGCTAAGGTCTTCAGATGAGCAGAAGCAG[C>T]AGCCTCCCAACTCATTTTCTCAGCAGCATTCTGAGACACAGGGGGCAGAAAAACCTGATC-3'

ClinVar aggregate classification (germline): Pathogenic (1 of 4 stars; one submission).

Conditions:
Encephalopathy-hypertrophic cardiomyopathy-renal tubular disease syndrome. Identifiers: Orphanet 319678, MedGen C3553374, MONDO:0013840, OMIM 614654.

Submission:

Women's Health and Genetics/Laboratory Corporation of America, LabCorp
Classification: Pathogenic for Encephalopathy-hypertrophic cardiomyopathy-renal tubular disease syndrome. Last evaluated: 2023-10-11. Review status: criteria provided, single submitter. Criteria: LabCorp Variant Classification Summary - May 2015. Collection method: clinical testing. Allele origin: germline.
Comment: Variant summary: COQ9 c.157C>T (p.Gln53X) results in a premature termination codon, predicted to cause a truncation of the encoded protein or absence of the protein due to nonsense mediated decay, which are commonly known mechanisms for disease. The variant was absent in 251484 control chromosomes. To our knowledge, no occurrence of c.157C>T in individuals affected with Coenzyme Q10 Deficiency, Primary, 5 and no experimental evidence demonstrating its impact on protein function have been reported. No submitters have cited clinical-significance assessments for this variant to ClinVar after 2014. Based on the evidence outlined above, the variant was classified as pathogenic.